The following is an entry in ClinVar:

NM_003924.4(PHOX2B):c.795G>A (p.Ala265=)

Gene: PHOX2B (paired like homeobox 2B; minus strand). Cytogenetic location: 4p13.
Variant type: single nucleotide variant.
Coding change: c.795G>A on transcript NM_003924.4 (MANE Select); coding-DNA position 795, G replaced by A.
Protein change: p.Ala265=; no amino-acid change (alanine 265 retained).
Molecular consequence: synonymous variant.
Genome position (GRCh38, 1-based): chr4:41,745,957, C>T on the plus strand (G>A on the coding strand, the complement: PHOX2B is on the minus strand). VCF-style: chr4-41745957-C-T. GRCh37 (hg19) VCF-style: chr4-41747974-C-T.
Other names: c.795G>A (NM_003924.3).
Identifiers: ClinVar variation 1578717 (VCV001578717.17), dbSNP rs1440737466, ClinGen allele CA439142964.

ClinVar aggregate classification (germline): Likely benign. Review status: criteria provided, multiple submitters, no conflicts (2 of 4 stars). 3 submissions from 3 submitters: Likely benign (3). Last evaluated 2025-08-01.

Conditions:
Hereditary cancer-predisposing syndrome. Also called: Neoplastic Syndromes, Hereditary; Hereditary neoplastic syndrome; Tumor predisposition; Hereditary Cancer Syndrome. Identifiers: Orphanet 140162, MedGen C0027672, MeSH D009386, MONDO:0015356.
Haddad syndrome (OHD). Also called: Ondine-Hirschsprung disease. Identifiers: Orphanet 99803, MedGen C1859049, MONDO:0020493.

Submissions (3):

CeGaT Center for Human Genetics Tuebingen
Classification: Likely benign. Last evaluated: 2025-08-01. Review status: criteria provided, single submitter. Criteria: CeGaT Center For Human Genetics Tuebingen Variant Classification Criteria Version 2. Collection method: clinical testing. Allele origin: germline. Affected: yes. Observed: 1 variant allele.
Comment: PHOX2B: BP4, BP7

Ambry Genetics
Classification: Likely benign for Hereditary cancer-predisposing syndrome. Last evaluated: 2025-07-09. Review status: criteria provided, single submitter. Criteria: Ambry Variant Classification Scheme 2023. Collection method: clinical testing. Allele origin: germline.

Labcorp Genetics (formerly Invitae), Labcorp
Classification: Likely benign for Haddad syndrome. Last evaluated: 2023-08-16. Review status: criteria provided, single submitter. Criteria: Invitae Variant Classification Sherloc (09022015). Collection method: clinical testing. Allele origin: germline.